The following is an entry in ClinVar:

NM_001244926.2(PRPF4):c.757C>T (p.Leu253Phe)

Gene: PRPF4 (pre-mRNA splicing tri-snRNP complex factor PRPF4; plus strand). Cytogenetic location: 9q32.
Variant type: single nucleotide variant.
Coding change: c.757C>T on transcript NM_001244926.2 (MANE Select); coding-DNA position 757, C replaced by T.
Protein change: p.Leu253Phe; replaces leucine 253 with phenylalanine.
Molecular consequence: missense variant. On other transcripts: non-coding transcript variant (2).
Genome position (GRCh38, 1-based): chr9:113,286,239, C>T. VCF-style: chr9-113286239-C-T. GRCh37 (hg19) VCF-style: chr9-116048519-C-T.
Other names: c.760C>T (NM_004697.4); c.31C>T, p.Leu11Phe (NM_001322266.2, NM_001322267.2); c.760C>T, p.Leu254Phe (NM_004697.5); short protein forms L253F, L254F, L11F.
Identifiers: ClinVar variation 4904120 (VCV004904120.2).

ClinVar aggregate classification (germline): Uncertain significance. Review status: criteria provided, multiple submitters, no conflicts (2 of 4 stars). 2 submissions from 2 submitters: Uncertain significance (2). Last evaluated 2025-07-02.

Conditions:
PRPF4-related disorder. Also called: PRPF4-related condition.

Submissions (2):

PreventionGenetics, part of Exact Sciences
Classification: Uncertain significance for PRPF4-related condition. Last evaluated: 2025-07-02. Review status: criteria provided, single submitter. Criteria: ACMG Guidelines, 2015. Collection method: clinical testing. Allele origin: germline.
Comment: The PRPF4 c.760C>T variant is predicted to result in the amino acid substitution p.Leu254Phe. To our knowledge, this variant has not been reported in the literature. This variant was not present in gnomAD v2; however, in gnomAD v4 (available only on GRCh38), this variant is reported in 7 heterozygotes, indicating this variant is unlikely to have arisen de novo. At this time, the clinical significance of this variant is uncertain due to the absence of conclusive functional and genetic evidence.

Blueprint Genetics
Classification: Uncertain significance. Last evaluated: 2021-11-11. Review status: criteria provided, single submitter. Criteria: ACMG Guidelines, 2015. Collection method: clinical testing. Allele origin: germline.